The following is an entry in ClinVar:

ClinVar aggregate classification (germline): Uncertain significance. Review status: criteria provided, multiple submitters, no conflicts (2 of 4 stars). 3 submissions from 3 submitters: Uncertain significance (3). Last evaluated 2025-12-04.

Conditions:
Fanconi anemia complementation group P. Also called: SLX4-Related Fanconi Anemia. Identifiers: Orphanet 84, MedGen C3469542, MONDO:0013499, OMIM 613951.
Fanconi anemia (FA). Also called: Fanconi's anemia. Identifiers: Orphanet 84, MedGen C0015625, MeSH D005199, MONDO:0019391.
Inborn genetic diseases. Identifiers: MedGen C0950123, MeSH D030342.

gnomAD v4.1: 14 of 1,613,748 alleles (0.00087%); highest among the groups gnomAD compares: African/African-American, 0.015%; no homozygotes.

Submissions (3):

Ambry Genetics
Classification: Uncertain significance for Inborn genetic diseases. Last evaluated: 2025-12-04. Review status: criteria provided, single submitter. Criteria: Ambry Variant Classification Scheme 2023. Collection method: clinical testing. Allele origin: germline.

Fulgent Genetics
Classification: Uncertain significance for Fanconi anemia complementation group P. Last evaluated: 2024-02-06. Review status: criteria provided, single submitter. Criteria: ACMG Guidelines, 2015. Collection method: clinical testing. Allele origin: germline.

Labcorp Genetics (formerly Invitae), Labcorp
Classification: Uncertain significance for Fanconi anemia. Last evaluated: 2022-02-28. Review status: criteria provided, single submitter. Criteria: Invitae Variant Classification Sherloc (09022015). Collection method: clinical testing. Allele origin: germline.
Comment: This sequence change replaces arginine, which is basic and polar, with glycine, which is neutral and non-polar, at codon 1814 of the SLX4 protein (p.Arg1814Gly). This variant is present in population databases (rs767720336, gnomAD 0.01%). This variant has not been reported in the literature in individuals affected with SLX4-related conditions. Algorithms developed to predict the effect of missense changes on protein structure and function (SIFT, PolyPhen-2, Align-GVGD) all suggest that this variant is likely to be disruptive. In summary, the available evidence is currently insufficient to determine the role of this variant in disease. Therefore, it has been classified as a Variant of Uncertain Significance.

NM_032444.4(SLX4):c.5440C>G (p.Arg1814Gly)

Gene: SLX4 (SLX4 structure-specific endonuclease subunit; minus strand). Cytogenetic location: 16p13.3.
Variant type: single nucleotide variant.
Coding change: c.5440C>G on transcript NM_032444.4 (MANE Select); coding-DNA position 5440, C replaced by G.
Protein change: p.Arg1814Gly; replaces arginine 1814 with glycine.
Molecular consequence: missense variant.
Genome position (GRCh38, 1-based): chr16:3,582,407, G>C on the plus strand (C>G on the coding strand, the complement: SLX4 is on the minus strand). VCF-style: chr16-3582407-G-C. GRCh37 (hg19) VCF-style: chr16-3632408-G-C.
Other names: short protein forms R1814G.
Identifiers: ClinVar variation 2141562 (VCV002141562.3), dbSNP rs767720336, ClinGen allele CA7865312.
Genomic context (GRCh38, chr16:3,582,407, plus strand): 5'-TCCGCTCCACCTTCTTCTTGCCCCGAGGCTGCCGCCTCCTGCCCTGGAGCTTCTCCCTGC[G>C]GGTGGCGGCAGTGGTGAAGGTGATACAGTGGGTGTCCAGGAAGTCCAACAGCCTGCGCGA-3'
Protein context (NP_115820.2, residues 1804-1824): HCITFTTAAT[Arg1814Gly]REKLQGRRRQ